The following is an entry in ClinVar:

NM_001347721.2(DYRK1A):c.964G>A (p.Glu322Lys)

Gene: DYRK1A (dual specificity tyrosine phosphorylation regulated kinase 1A; plus strand). Cytogenetic location: 21q22.13.
Variant type: single nucleotide variant.
Coding change: c.964G>A on transcript NM_001347721.2 (MANE Select); coding-DNA position 964, G replaced by A.
Protein change: p.Glu322Lys; replaces glutamic acid 322 with lysine.
Molecular consequence: missense variant.
Genome position (GRCh38, 1-based): chr21:37,493,056, G>A. VCF-style: chr21-37493056-G-A. GRCh37 (hg19) VCF-style: chr21-38865358-G-A.
Other names: c.964G>A, p.Glu322Lys (NM_001347722.2, NM_130436.2); c.877G>A, p.Glu293Lys (NM_001347723.2); c.991G>A, p.Glu331Lys (NM_001396.5, NM_101395.2, NM_130438.2); c.991G>A (NM_001396.3); short protein forms E293K, E322K, E331K.
Identifiers: ClinVar variation 1713566 (VCV001713566.31), dbSNP rs1555985565, ClinGen allele CA409936449.

ClinVar aggregate classification (germline): Conflicting classifications of pathogenicity. Review status: criteria provided, conflicting classifications (1 of 4 stars). 3 submissions from 3 submitters: Likely pathogenic (1); Uncertain significance (2). Last evaluated 2025-08-05.

Conditions:
DYRK1A-related intellectual disability syndrome (MRD7). Also called: Intellectual developmental disorder, autosomal dominant 7; DYRK1A Syndrome. Identifiers: Orphanet 464306, MedGen C5568143, MONDO:0013578, OMIM 614104.

Submissions (3):

GeneDx
Classification: Uncertain significance. Last evaluated: 2025-08-05. Review status: criteria provided, single submitter. Criteria: GeneDx Variant Classification Process June 2021. Collection method: clinical testing. Allele origin: germline. Affected: yes.
Comment: Not observed at significant frequency in large population cohorts (gnomAD); In silico analysis supports that this missense variant has a deleterious effect on protein structure/function; In silico analysis suggests this variant may impact gene splicing. In the absence of RNA/functional studies, the actual effect of this sequence change is unknown.; Has not been previously published as pathogenic or benign to our knowledge

CeGaT Center for Human Genetics Tuebingen
Classification: Likely pathogenic. Last evaluated: 2023-10-01. Review status: criteria provided, single submitter. Criteria: CeGaT Center For Human Genetics Tuebingen Variant Classification Criteria Version 2. Collection method: clinical testing. Allele origin: germline. Affected: yes. Observed: 1 variant allele.
Comment: DYRK1A: PM2, PS2:Moderate, PP3, PS4:Supporting

Labcorp Genetics (formerly Invitae), Labcorp
Classification: Uncertain significance for DYRK1A-related intellectual disability syndrome. Last evaluated: 2022-09-07. Review status: criteria provided, single submitter. Criteria: Invitae Variant Classification Sherloc (09022015). Collection method: clinical testing. Allele origin: germline.
Comment: In summary, the available evidence is currently insufficient to determine the role of this variant in disease. Therefore, it has been classified as a Variant of Uncertain Significance. Algorithms developed to predict the effect of sequence changes on RNA splicing suggest that this variant may create or strengthen a splice site. This sequence change replaces glutamic acid, which is acidic and polar, with lysine, which is basic and polar, at codon 331 of the DYRK1A protein (p.Glu331Lys). This variant is not present in population databases (gnomAD no frequency). This variant has not been reported in the literature in individuals affected with DYRK1A-related conditions. Advanced modeling of protein sequence and biophysical properties (such as structural, functional, and spatial information, amino acid conservation, physicochemical variation, residue mobility, and thermodynamic stability) performed at Invitae indicates that this missense variant is expected to disrupt DYRK1A protein function.